The following is an entry in ClinVar:

ClinVar aggregate classification (germline): Conflicting classifications of pathogenicity. Review status: criteria provided, conflicting classifications (1 of 4 stars). 7 submissions from 7 submitters: Uncertain significance (1); Benign (1); Likely benign (4). 1 of the submissions does not count toward it. Last evaluated 2026-01-13.

Conditions:
RET-related disorder. Also called: RET-related condition; RET-related disease; RET-related disorders.
Hereditary cancer-predisposing syndrome. Also called: Hereditary Cancer Syndrome; Tumor predisposition; Hereditary neoplastic syndrome; Neoplastic Syndromes, Hereditary. Identifiers: Orphanet 140162, MedGen C0027672, MeSH D009386, MONDO:0015356.
Multiple endocrine neoplasia, type 2 (MEN2). Identifiers: Orphanet 653, MedGen C4048306, MONDO:0019003. Disease mechanism: gain of function.
Multiple endocrine neoplasia type 2A. Also called: MULTIPLE ENDOCRINE NEOPLASIA, TYPE IIA; PTC SYNDROME; SIPPLE SYNDROME; MEN 2A; MEN-2A syndrome; Pheochromocytoma and amyloid producing medullary thyroid carcinoma. Identifiers: Orphanet 247698, Orphanet 653, MedGen C0025268, MeSH D018813, MONDO:0008234, OMIM 171400.

Allele frequency attached by ClinVar (database versions not stated): gnomAD exomes 0.00006; ExAC 0.00010.
gnomAD v4.1: 36 of 1,612,762 alleles (0.0022%); highest among the groups gnomAD compares: Non-Finnish European, 0.0027%; no homozygotes.

Submissions (7):

Labcorp Genetics (formerly Invitae), Labcorp
Classification: Uncertain significance for Multiple endocrine neoplasia, type 2. Last evaluated: 2026-01-13. Review status: criteria provided, single submitter. Criteria: Invitae Variant Classification Sherloc (09022015). Collection method: clinical testing. Allele origin: germline.
Comment: This sequence change falls in intron 14 of the RET gene. It does not directly change the encoded amino acid sequence of the RET protein. It affects a nucleotide within the consensus splice site. This variant is present in population databases (rs752538741, gnomAD 0.01%). This variant has not been reported in the literature in individuals affected with RET-related conditions. ClinVar contains an entry for this variant (Variation ID: 241350). Variants that disrupt the consensus splice site are a relatively common cause of aberrant splicing (PMID: 17576681, 9536098). Algorithms developed to predict the effect of sequence changes on RNA splicing suggest that this variant is not likely to affect RNA splicing. In summary, the available evidence is currently insufficient to determine the role of this variant in disease. Therefore, it has been classified as a Variant of Uncertain Significance.

Myriad Genetics, Inc.
Classification: Benign for Multiple endocrine neoplasia type 2A. Last evaluated: 2025-02-27. Review status: criteria provided, single submitter. Criteria: Myriad Autosomal Dominant, Autosomal Recessive and X-Linked Classification Criteria (2023). Collection method: clinical testing. Allele origin: unknown.
Comment: This variant is considered benign. This variant is intronic and is not expected to impact mRNA splicing. This variant has been observed at a population frequency that is significantly greater than expected given the associated disease prevalence and penetrance.

All of Us Research Program, National Institutes of Health
Classification: Likely benign for Multiple endocrine neoplasia, type 2. Last evaluated: 2024-04-16. Review status: criteria provided, single submitter. Criteria: ACMG Guidelines, 2015. Collection method: clinical testing. Allele origin: germline. Inheritance: Autosomal dominant inheritance. Observed: 4 variant alleles, 4 heterozygotes.
Comment: This study involves interpretation of variants in research participants for the purpose of population health screening. Participant phenotype was not available at the time of variant classification. Additional details can be found in publication PMID: 35346344, PMCID: PMC8962531

Color Diagnostics, LLC DBA Color Health
Classification: Likely benign for Multiple endocrine neoplasia, type 2. Last evaluated: 2023-03-23. Review status: criteria provided, single submitter. Criteria: ACMG Guidelines, 2015. Collection method: clinical testing. Allele origin: germline.

Ambry Genetics
Classification: Likely benign for Hereditary cancer-predisposing syndrome. Last evaluated: 2022-03-03. Review status: criteria provided, single submitter. Criteria: Ambry Variant Classification Scheme 2023. Collection method: clinical testing. Allele origin: germline.

Blueprint Genetics
Classification: Likely benign. Last evaluated: 2021-09-21. Review status: criteria provided, single submitter. Criteria: ACMG Guidelines, 2015. Collection method: clinical testing. Allele origin: germline.

PreventionGenetics, part of Exact Sciences
Classification: Likely benign for RET-related condition. Last evaluated: 2024-01-03. Review status: no assertion criteria provided. Collection method: clinical testing. Allele origin: germline. Not counted in ClinVar's aggregate classification.
Comment: This variant is classified as likely benign based on ACMG/AMP sequence variant interpretation guidelines (Richards et al. 2015 PMID: 25741868, with internal and published modifications).

Literature cited by the submitters: PubMed 17576681 (cited by Labcorp Genetics (formerly Invitae), Labcorp); PubMed 9536098 (cited by Labcorp Genetics (formerly Invitae), Labcorp).

NM_020975.6(RET):c.2607+3G>A

Gene: RET (ret proto-oncogene; plus strand). Cytogenetic location: 10q11.21.
Variant type: single nucleotide variant.
Coding change: c.2607+3G>A on transcript NM_020975.6 (MANE Select); 3 bases into the intron after coding-DNA position 2607, G replaced by A.
Molecular consequence: intron variant.
Genome position (GRCh38, 1-based): chr10:43,119,748, G>A. VCF-style: chr10-43119748-G-A. GRCh37 (hg19) VCF-style: chr10-43615196-G-A.
Other names: c.2607+3G>A (NM_020630.7, NM_001406743.1, NM_001406744.1 and 2 more transcripts); c.2472+3G>A (NM_001406765.1, NM_001406763.1); c.2211+3G>A (NM_001406772.1, NM_001406769.1); c.2169+3G>A (NM_001406773.1, NM_001406771.1); c.1710+3G>A (NM_001406782.1, NM_001406780.1, NM_001406779.1 and 1 more transcripts); c.1575+3G>A (NM_001406787.1); c.1590+3G>A (NM_001406785.1); c.2478+3G>A (NM_001406764.1, NM_001406762.1, NM_001406761.1); and 10 more.
Identifiers: ClinVar variation 241350 (VCV000241350.19), dbSNP rs752538741, ClinGen allele CA039948.
Genomic context (GRCh38, chr10:43,119,748, plus strand): 5'-CCTCATCTCATTTGCCTGGCAGATCTCACAGGGGATGCAGTATCTGGCCGAGATGAAGGT[G>A]CGTGCATATGGCTCTGCACCCAGCCAGCCCCGGCCAGGCCACACCCTGACCCACCACGCC-3'